The following is an entry in ClinVar:

NM_001242896.3(DEPDC5):c.3439A>C (p.Asn1147His)

Gene: DEPDC5 (DEP domain containing 5, GATOR1 subcomplex subunit; plus strand). Cytogenetic location: 22q12.3.
Variant type: single nucleotide variant.
Coding change: c.3439A>C on transcript NM_001242896.3 (MANE Select); coding-DNA position 3439, A replaced by C.
Protein change: p.Asn1147His; replaces asparagine 1147 with histidine.
Molecular consequence: missense variant. On other transcripts: non-coding transcript variant (5).
Genome position (GRCh38, 1-based): chr22:31,870,698, A>C. VCF-style: chr22-31870698-A-C. GRCh37 (hg19) VCF-style: chr22-32266684-A-C.
Other names: c.3412A>C, p.Asn1138His (NM_001136029.4); c.3139A>C, p.Asn1047His (NM_001242897.2); c.3373A>C, p.Asn1125His (NM_001363852.2, NM_001364320.2); c.3205A>C, p.Asn1069His (NM_001363854.2, NM_001364319.2); c.3439A>C, p.Asn1147His (NM_001364318.2); c.3355A>C, p.Asn1119His (NM_001369901.1, NM_001369902.1); c.3346A>C, p.Asn1116His (NM_001369903.1, NM_014662.6); short protein forms N1047H, N1069H, N1116H, N1119H, N1125H, N1138H, N1147H.
Identifiers: ClinVar variation 1254229 (VCV001254229.9), dbSNP rs2092816522, ClinGen allele CA411296788.

ClinVar aggregate classification (germline): Uncertain significance. Review status: criteria provided, multiple submitters, no conflicts (2 of 4 stars). 3 submissions from 3 submitters: Uncertain significance (3). Last evaluated 2025-11-24.

Conditions:
Familial focal epilepsy with variable foci (FPEVF). Identifiers: Orphanet 98820, MedGen C1858477, MONDO:0020310.
Inborn genetic diseases. Identifiers: MedGen C0950123, MeSH D030342.

Allele frequency attached by ClinVar (database versions not stated): gnomAD exomes 0.00001.
gnomAD v4.1: 7 of 1,600,938 alleles (0.00044%); highest among the groups gnomAD compares: Admixed American, 0.01%; no homozygotes.

Submissions (3):

Ambry Genetics
Classification: Uncertain significance for Inborn genetic diseases. Last evaluated: 2025-11-24. Review status: criteria provided, single submitter. Criteria: Ambry Variant Classification Scheme 2023. Collection method: clinical testing. Allele origin: germline.

Labcorp Genetics (formerly Invitae), Labcorp
Classification: Uncertain significance for Familial focal epilepsy with variable foci. Last evaluated: 2022-12-02. Review status: criteria provided, single submitter. Criteria: Invitae Variant Classification Sherloc (09022015). Collection method: clinical testing. Allele origin: germline.
Comment: ClinVar contains an entry for this variant (Variation ID: 1254229). This variant has not been reported in the literature in individuals affected with DEPDC5-related conditions. This variant is not present in population databases (gnomAD no frequency). This sequence change replaces asparagine, which is neutral and polar, with histidine, which is basic and polar, at codon 1147 of the DEPDC5 protein (p.Asn1147His). In summary, the available evidence is currently insufficient to determine the role of this variant in disease. Therefore, it has been classified as a Variant of Uncertain Significance. Algorithms developed to predict the effect of missense changes on protein structure and function are either unavailable or do not agree on the potential impact of this missense change (SIFT: "Tolerated"; PolyPhen-2: "Not Available"; Align-GVGD: "Class C0").

GeneDx
Classification: Uncertain significance. Last evaluated: 2021-07-13. Review status: criteria provided, single submitter. Criteria: GeneDx Variant Classification Process June 2021. Collection method: clinical testing. Allele origin: germline. Affected: yes.
Comment: Not observed at significant frequency in large population cohorts (Lek et al., 2016); In silico analysis supports that this missense variant does not alter protein structure/function; Has not been previously published as pathogenic or benign to our knowledge; This variant is associated with the following publications: (PMID: 27535533)